The following is an entry in ClinVar:

ClinVar aggregate classification (germline): Uncertain significance (1 of 4 stars; one submission).

Submission:

GeneDx
Classification: Uncertain significance. Last evaluated: 2024-01-18. Review status: criteria provided, single submitter. Criteria: GeneDx Variant Classification Process June 2021. Collection method: clinical testing. Allele origin: germline. Affected: yes.
Comment: Not observed at significant frequency in large population cohorts (gnomAD); In silico analysis supports a deleterious effect on splicing; Has not been previously published as pathogenic or benign to our knowledge

NM_001282116.2(RFX3):c.974-8G>A

Gene: RFX3 (regulatory factor X3; minus strand). Cytogenetic location: 9p24.2.
Variant type: single nucleotide variant.
Coding change: c.974-8G>A on transcript NM_001282116.2 (MANE Select); 8 bases into the intron before coding-DNA position 974, G replaced by A.
Molecular consequence: intron variant.
Genome position (GRCh38, 1-based): chr9:3,275,620, C>T on the plus strand (G>A on the coding strand, the complement: RFX3 is on the minus strand). VCF-style: chr9-3275620-C-T. GRCh37 (hg19) VCF-style: chr9-3275620-C-T.
Other names: c.974-8G>A (NM_001377999.1, NM_134428.3, NM_002919.4 and 1 more transcripts).
Identifiers: ClinVar variation 3367892 (VCV003367892.1).